The following is an entry in ClinVar:

ClinVar aggregate classification (germline): Uncertain significance (1 of 4 stars; one submission).

Submission:

Labcorp Genetics (formerly Invitae), Labcorp
Classification: Uncertain significance. Last evaluated: 2022-02-05. Review status: criteria provided, single submitter. Criteria: Invitae Variant Classification Sherloc (09022015). Collection method: clinical testing. Allele origin: germline.
Comment: This variant results in a copy number gain of the genomic region encompassing exon(s) 3-14 of the PPP3CA gene. This region includes the termination codon of the gene. This copy number gain extends beyond the assayed region for this gene and therefore may encompass additional genes. As the precise location of this event is unknown, it may be in tandem or it may be located elsewhere in the genome. In summary, the available evidence is currently insufficient to determine the role of this variant in disease. Therefore, it has been classified as a Variant of Uncertain Significance. Experimental studies and prediction algorithms are not available or were not evaluated, and the functional significance of this variant is currently unknown. This variant has not been reported in the literature in individuals affected with PPP3CA-related conditions.

NC_000004.11:g.(?_101947022)_(102030255_?)dup

Gene: PPP3CA (protein phosphatase 3 catalytic subunit alpha; minus strand). Cytogenetic location: 4q24.
Variant type: Duplication.
Identifiers: ClinVar variation 1511121 (VCV001511121.5).